The following is an entry in ClinVar:

NM_017662.5(TRPM6):c.5980T>G (p.Phe1994Val)

Gene: TRPM6 (transient receptor potential cation channel subfamily M member 6; minus strand). Cytogenetic location: 9q21.13.
Variant type: single nucleotide variant.
Coding change: c.5980T>G on transcript NM_017662.5 (MANE Select); coding-DNA position 5980, T replaced by G.
Protein change: p.Phe1994Val; replaces phenylalanine 1994 with valine.
Molecular consequence: missense variant.
Genome position (GRCh38, 1-based): chr9:74,724,702, A>C on the plus strand (T>G on the coding strand, the complement: TRPM6 is on the minus strand). VCF-style: chr9-74724702-A-C. GRCh37 (hg19) VCF-style: chr9-77339618-A-C.
Other names: c.5965T>G, p.Phe1989Val (NM_001177310.2, NM_001177311.2); short protein forms F1994V, F1989V.
Identifiers: ClinVar variation 2128418 (VCV002128418.4), dbSNP rs938008725, ClinGen allele CA373669190.

ClinVar aggregate classification (germline): Uncertain significance (1 of 4 stars; one submission).

Submission:

Labcorp Genetics (formerly Invitae), Labcorp
Classification: Uncertain significance. Last evaluated: 2022-04-29. Review status: criteria provided, single submitter. Criteria: Invitae Variant Classification Sherloc (09022015). Collection method: clinical testing. Allele origin: germline.
Comment: This sequence change replaces phenylalanine, which is neutral and non-polar, with valine, which is neutral and non-polar, at codon 1994 of the TRPM6 protein (p.Phe1994Val). This variant is not present in population databases (gnomAD no frequency). In summary, the available evidence is currently insufficient to determine the role of this variant in disease. Therefore, it has been classified as a Variant of Uncertain Significance. Algorithms developed to predict the effect of missense changes on protein structure and function are either unavailable or do not agree on the potential impact of this missense change (SIFT: "Deleterious"; PolyPhen-2: "Benign"; Align-GVGD: "Class C0"). This variant has not been reported in the literature in individuals affected with TRPM6-related conditions.